The following is an entry in ClinVar:

ClinVar aggregate classification (germline): Pathogenic (1 of 4 stars; one submission).

Conditions:
Koolen-de Vries syndrome (KDVS). Identifiers: Orphanet 96169, MedGen C1864871, MONDO:0012496, OMIM 610443.

Submission:

Labcorp Genetics (formerly Invitae), Labcorp
Classification: Pathogenic for Koolen-de Vries syndrome. Last evaluated: 2022-10-26. Review status: criteria provided, single submitter. Criteria: Invitae Variant Classification Sherloc (09022015). Collection method: clinical testing. Allele origin: germline.
Comment: For these reasons, this variant has been classified as Pathogenic. This variant has not been reported in the literature in individuals affected with KANSL1-related conditions. This variant is not present in population databases (gnomAD no frequency). This sequence change creates a premature translational stop signal (p.Pro781Glnfs*6) in the KANSL1 gene. It is expected to result in an absent or disrupted protein product. Loss-of-function variants in KANSL1 are known to be pathogenic (PMID: 22544363, 22544367).

Literature cited by the submitters: PubMed 22544363; PubMed 22544367.

NM_015443.4(KANSL1):c.2342del (p.Pro781fs)

Gene: KANSL1 (KAT8 regulatory NSL complex subunit 1). Cytogenetic location: 17q21.31.
Variant type: Deletion.
Coding change: c.2342del on transcript NM_015443.4 (MANE Select); coding-DNA position 2342, one base deleted.
Protein change: p.Pro781fs; shifts the reading frame from proline 781.
Molecular consequence: frameshift variant. On other transcripts: intron variant (8).
Genome position: GRCh38 VCF-style: chr17-46039076-TG-T. GRCh37 (hg19) VCF-style: chr17-44116442-TG-T.
Other names: c.2342del, p.Pro781fs (NM_001193466.2, NM_001379198.1, NM_001405854.1 and 8 more transcripts); c.2240del, p.Pro747fs (NM_001405859.1, NM_001405860.1, NM_001405861.1 and 1 more transcripts); c.1076del, p.Pro359fs (NM_001405882.1, NM_001405883.1); c.938-391del (NM_001405885.1, NM_001405884.1); c.2204-391del (NM_001405879.1, NM_001405875.1, NM_001405878.1 and 3 more transcripts); short protein forms P747fs, P359fs, P781fs.
Identifiers: ClinVar variation 2798791 (VCV002798791.3), dbSNP rs2510481313, ClinGen allele CA2739267588.